The following is an entry in ClinVar:

ClinVar aggregate classification (germline): Pathogenic. Review status: reviewed by expert panel (3 of 4 stars). 3 submissions from 3 submitters: Pathogenic (1). 2 of the submissions do not count toward it. Last evaluated 2026-01-06.

Conditions:
Glycogen storage disease, type II (IOPD). Also called: CARDIOMEGALIA GLYCOGENICA DIFFUSA; GLYCOGENOSIS, GENERALIZED, CARDIAC FORM; GSD II; Glycogen storage disease type 2; Acid maltase deficiency disease; Aglucosidase alfa. Identifiers: Orphanet 365, MedGen C0017921, MONDO:0009290, OMIM 232300.

Submissions (3):

ClinGen Lysosomal Storage Disorder Variant Curation Expert Panel
Classification: Pathogenic for Glycogen storage disease, type II. Last evaluated: 2026-01-06. Review status: reviewed by expert panel. Criteria: clingen_lsd_acmg_specifications_v2-1. Collection method: curation. Allele origin: germline. Inheritance: Autosomal recessive inheritance.
Comment: The NM_000152.5:c.1241del (p.Phe414SerfsTer26) variant in GAA is a frameshift variant predicted to cause a premature stop codon in biologically-relevant-exon 8/20, leading to nonsense mediated decay in a gene in which loss-of-function is an established disease mechanism (PVS1). At least one patient with a diagnosis of infantile-onset Pompe disease (IOPD) has been reported with this variant. This individual was noted to have clinical features consistent with IOPD and deficient GAA activity, but results were not provided (PMID: 28394184) (PP4). This individual was compound heterozygous for this variant and c.2662G>T (p.Glu888Ter), which is classified as pathogenic by the ClinGen LD VCEP, phase unconfirmed (PMID: 28394184) (PM3_Supporting). This variant is absent in gnomAD v4.1.0. (PM2_Supporting). In summary, this variant meets the criteria to be classified as pathogenic for Pompe disease based on the GAA-specific ACMG/AMP criteria applied, as specified by the ClinGen Lysosomal Diseases Variant Curation Expert Panel (Specifications Version 2.0.0): PVS1, PM2_Supporting, PM3_Supporting, PP4. (Classification approved by the ClinGen Lysosomal Diseases VCEP on January 6, 2026).

Genomenon, Inc
Classification: Pathogenic for Glycogen storage disease, type II. Last evaluated: 2026-07-01. Review status: criteria provided, single submitter. Criteria: Genomenon Sequence Variant Interpretation Standards - Updated. Collection method: curation. Allele origin: germline. Affected: yes. Not counted in ClinVar's aggregate classification.
Comment: GAA p.Phe414SerfsTer26 (c.1241del) is a frameshift variant that is predicted to introduce a premature termination codon and result in a truncated or absent protein product. This variant has been observed in at least one proband with a GAA-related disorder (PMID:28394184). It is absent or not present at a significant frequency in gnomAD. In conclusion, we classify GAA p.Phe414SerfsTer26 (c.1241del) as a pathogenic variant.

Labcorp Genetics (formerly Invitae), Labcorp
Classification: Pathogenic for Glycogen storage disease, type II. Last evaluated: 2023-11-08. Review status: criteria provided, single submitter. Criteria: Invitae Variant Classification Sherloc (09022015). Collection method: clinical testing. Allele origin: germline. Not counted in ClinVar's aggregate classification.
Comment: This sequence change creates a premature translational stop signal (p.Phe414Serfs*26) in the GAA gene. It is expected to result in an absent or disrupted protein product. Loss-of-function variants in GAA are known to be pathogenic (PMID: 18425781, 22252923). This variant is not present in population databases (gnomAD no frequency). This premature translational stop signal has been observed in individual(s) with Pompe disease (PMID: 28394184). For these reasons, this variant has been classified as Pathogenic.

Literature cited by the submitters: PubMed 28394184 (cited by Genomenon, Inc and Labcorp Genetics (formerly Invitae), Labcorp); PubMed 18425781 (cited by Labcorp Genetics (formerly Invitae), Labcorp); PubMed 22252923 (cited by Labcorp Genetics (formerly Invitae), Labcorp).

NM_000152.5(GAA):c.1241del (p.Phe414fs)

Gene: GAA (alpha glucosidase; plus strand). Cytogenetic location: 17q25.3.
Variant type: Deletion.
Coding change: c.1241del on transcript NM_000152.5 (MANE Select); coding-DNA position 1241, one base deleted (T; older notation c.1241delT).
Protein change: p.Phe414fs; shifts the reading frame from phenylalanine 414.
Molecular consequence: frameshift variant.
Genome position (GRCh38, 1-based): chr17:80,108,743, T deleted; the last of 2 consecutive T bases (chr17:80,108,742-80,108,743); deleting either gives the same sequence. VCF-style (leftmost placement, unchanged base first): chr17-80108741-CT-C. GRCh37 (hg19) VCF-style: chr17-78082540-CT-C.
Other names: NM_000152.5(GAA):c.1241del; p.Phe414fs; c.1241del, p.Phe414fs (NM_001079803.3, NM_001079804.3, NM_001406741.1 and 1 more transcripts); short protein forms F414fs.
Identifiers: ClinVar variation 2736673 (VCV002736673.4), dbSNP rs2510364645, ClinGen allele CA913184736.